The following is an entry in ClinVar:

ClinVar aggregate classification (germline): Likely pathogenic (0 of 4 stars; one submission).

Conditions:
Congenital secretory diarrhea, chloride type (DIAR1). Also called: DIARRHEA 1, SECRETORY CHLORIDE, CONGENITAL; CHLORIDORRHEA, CONGENITAL; CHLORIDE DIARRHEA, CONGENITAL, FINNISH TYPE. Identifiers: Orphanet 53689, MedGen C0267662, MONDO:0008964, OMIM 214700.

Submission:

Juha Muilu Group; Institute for Molecular Medicine Finland (FIMM)
Classification: Likely pathogenic for Congenital secretory diarrhea, chloride type. Review status: no assertion criteria provided. Collection method: not provided. Allele origin: unknown.
Comment: FinDis database variant: This variant was not found or characterized by our laboratory, data were collected from public sources: see reference
ClinVar note: Converted during submission from probable-pathogenic to Likely pathogenic.

NM_000111.3(SLC26A3):c.332del (p.Phe111fs)

Gene: SLC26A3 (solute carrier family 26 member 3; minus strand). Cytogenetic location: 7q22.3.
Variant type: Deletion.
Coding change: c.332del on transcript NM_000111.3 (MANE Select); coding-DNA position 332, one base deleted (T; older notation c.332delT).
Protein change: p.Phe111fs; shifts the reading frame from phenylalanine 111.
Molecular consequence: frameshift variant.
Genome position (GRCh38, 1-based): chr7:107,791,880, A deleted on the plus strand (T on the coding strand, the reverse complement: SLC26A3 is on the minus strand); the first of 5 consecutive A bases (chr7:107,791,880-107,791,884); deleting any one gives the same sequence. VCF-style (leftmost placement, unchanged base first): chr7-107791879-GA-G. GRCh37 (hg19) VCF-style: chr7-107432324-GA-G.
Other names: c.332delT (NM_000111.2); short protein forms F111fs.
Identifiers: ClinVar variation 55995 (VCV000055995.2), dbSNP rs386833477, ClinGen allele CA144091.